The following is an entry in ClinVar:

NM_006279.5(ST3GAL3):c.209+9798C>T

Gene: ST3GAL3 (ST3 beta-galactoside alpha-2,3-sialyltransferase 3; plus strand). Cytogenetic location: 1p34.1.
Variant type: single nucleotide variant.
Coding change: c.209+9798C>T on transcript NM_006279.5 (MANE Select); 9798 bases into the intron after coding-DNA position 209, C replaced by T.
Molecular consequence: intron variant. On other transcripts: synonymous variant (4).
Genome position (GRCh38, 1-based): chr1:43,824,731, C>T. VCF-style: chr1-43824731-C-T. GRCh37 (hg19) VCF-style: chr1-44290403-C-T.
Other names: c.210C>T, p.Leu70= (NM_001363573.2, NM_174968.5); c.255C>T, p.Leu85= (NM_174963.5); c.162C>T, p.Leu54= (NM_174971.5); c.254+9798C>T (NM_001350619.2, NM_174964.4, NM_174965.4); c.206+9798C>T (NM_001270465.3, NM_001270463.3); c.-245+9798C>T (NM_001350621.2); c.209+9798C>T (NM_001350620.2, NM_001270459.2, NM_174966.4 and 2 more transcripts); c.161+9798C>T (NM_174969.4, NM_001270461.3, NM_001270464.3 and 3 more transcripts).
Identifiers: ClinVar variation 806128 (VCV000806128.42), dbSNP rs146539823, ClinGen allele CA814555.

ClinVar aggregate classification (germline): Likely benign (1 of 4 stars; one submission).

Allele frequency attached by ClinVar (database versions not stated): TOPMed 0.00003; ExAC 0.00006; gnomAD exomes 0.00006 and 0.00007; ESP Exome Variant Server 0.00008; gnomAD 0.00014.
gnomAD v4.1: 126 of 1,613,926 alleles (0.0078%); highest among the groups gnomAD compares: Non-Finnish European, 0.01%; 1 homozygote.

Submission:

CeGaT Center for Human Genetics Tuebingen
Classification: Likely benign. Last evaluated: 2024-03-01. Review status: criteria provided, single submitter. Criteria: CeGaT Center For Human Genetics Tuebingen Variant Classification Criteria Version 2. Collection method: clinical testing. Allele origin: germline. Affected: yes. Observed: 4 variant alleles.
Comment: ST3GAL3: BP4, BP7